The following is an entry in ClinVar:

NM_024642.5(GALNT12):c.1072T>G (p.Cys358Gly)

Gene: GALNT12 (polypeptide N-acetylgalactosaminyltransferase 12; plus strand). Cytogenetic location: 9q22.33.
Variant type: single nucleotide variant.
Coding change: c.1072T>G on transcript NM_024642.5 (MANE Select); coding-DNA position 1072, T replaced by G.
Protein change: p.Cys358Gly; replaces cysteine 358 with glycine.
Molecular consequence: missense variant.
Genome position (GRCh38, 1-based): chr9:98,837,008, T>G. VCF-style: chr9-98837008-T-G. GRCh37 (hg19) VCF-style: chr9-101599290-T-G.
Other names: short protein forms C358G.
Identifiers: ClinVar variation 1783977 (VCV001783977.10), dbSNP rs1380223372, ClinGen allele CA374219721.

ClinVar aggregate classification (germline): Uncertain significance. Review status: criteria provided, multiple submitters, no conflicts (2 of 4 stars). 3 submissions from 3 submitters: Uncertain significance (3). Last evaluated 2025-11-25.

Conditions:
Colorectal cancer, susceptibility to, 1. Also called: COLORECTAL ADENOMA AND CANCER, SUSCEPTIBILITY TO; COLORECTAL CANCER, SUSCEPTIBILITY TO, ON CHROMOSOME 9. Identifiers: MedGen C1837315, MONDO:0012132, OMIM 608812.

Submissions (3):

Ambry Genetics
Classification: Uncertain significance. Last evaluated: 2025-11-25. Review status: criteria provided, single submitter. Criteria: Ambry Variant Classification Scheme 2023. Collection method: clinical testing. Allele origin: germline.
Comment: The p.C358G variant (also known as c.1072T>G), located in coding exon 6 of the GALNT12 gene, results from a T to G substitution at nucleotide position 1072. The cysteine at codon 358 is replaced by glycine, an amino acid with highly dissimilar properties. This amino acid position is conserved. In addition, this alteration is predicted to be deleterious by in silico analysis. Since supporting evidence is limited at this time, the clinical significance of this alteration remains unclear.

Baylor Genetics
Classification: Uncertain significance for Colorectal cancer, susceptibility to, 1. Last evaluated: 2023-09-11. Review status: criteria provided, single submitter. Criteria: ACMG Guidelines, 2015. Collection method: clinical testing. Allele origin: unknown.

Labcorp Genetics (formerly Invitae), Labcorp
Classification: Uncertain significance. Last evaluated: 2022-10-13. Review status: criteria provided, single submitter. Criteria: Invitae Variant Classification Sherloc (09022015). Collection method: clinical testing. Allele origin: germline.
Comment: In summary, the available evidence is currently insufficient to determine the role of this variant in disease. Therefore, it has been classified as a Variant of Uncertain Significance. Advanced modeling of protein sequence and biophysical properties (such as structural, functional, and spatial information, amino acid conservation, physicochemical variation, residue mobility, and thermodynamic stability) performed at Invitae indicates that this missense variant is expected to disrupt GALNT12 protein function. This variant has not been reported in the literature in individuals affected with GALNT12-related conditions. This variant is not present in population databases (gnomAD no frequency). This sequence change replaces cysteine, which is neutral and slightly polar, with glycine, which is neutral and non-polar, at codon 358 of the GALNT12 protein (p.Cys358Gly).